The following is an entry in ClinVar:

ClinVar aggregate classification (germline): Uncertain significance (1 of 4 stars; one submission).

Conditions:
Intellectual developmental disorder with seizures and language delay (IDDSELD). Identifiers: MedGen C5436574, MONDO:0033559, OMIM 619000.

Submission:

Institute of Human Genetics, University of Leipzig Medical Center
Classification: Uncertain significance for Intellectual developmental disorder with seizures and language delay. Last evaluated: 2022-04-12. Review status: criteria provided, single submitter. Criteria: ACMG Guidelines, 2015. Collection method: clinical testing. Allele origin: unknown. Affected: yes.
Comment: _x000D_ Criteria applied: PM2_SUP, PP2, PP3

NM_001353345.2(SETD1B):c.5408G>T (p.Arg1803Leu)

Gene: SETD1B (SET domain containing 1B, histone lysine methyltransferase; plus strand). Cytogenetic location: 12q24.31.
Variant type: single nucleotide variant.
Coding change: c.5408G>T on transcript NM_001353345.2 (MANE Select); coding-DNA position 5408, G replaced by T.
Protein change: p.Arg1803Leu; replaces arginine 1803 with leucine.
Molecular consequence: missense variant.
Genome position (GRCh38, 1-based): chr12:121,827,589, G>T. VCF-style: chr12-121827589-G-T. GRCh37 (hg19) VCF-style: chr12-122265495-G-T.
Other names: short protein forms R1803L.
Identifiers: ClinVar variation 1679173 (VCV001679173.1), dbSNP rs2137589071, ClinGen allele CA387004403.